The following is an entry in ClinVar:

NM_019109.5(ALG1):c.866A>G (p.Asp289Gly)

Gene: ALG1 (ALG1 chitobiosyldiphosphodolichol beta-mannosyltransferase; plus strand). Cytogenetic location: 16p13.3.
Variant type: single nucleotide variant.
Coding change: c.866A>G on transcript NM_019109.5 (MANE Select); coding-DNA position 866, A replaced by G.
Protein change: p.Asp289Gly; replaces aspartic acid 289 with glycine.
Molecular consequence: missense variant.
Genome position (GRCh38, 1-based): chr16:5,079,067, A>G. VCF-style: chr16-5079067-A-G. GRCh37 (hg19) VCF-style: chr16-5129068-A-G.
Other names: c.533A>G, p.Asp178Gly (NM_001330504.2); short protein forms D178G, D289G.
Identifiers: ClinVar variation 690314 (VCV000690314.10), dbSNP rs1180515976, ClinGen allele CA394681919.
Genomic context (GRCh38, chr16:5,079,067, plus strand): 5'-GAGCTGGAAGAGGGGTGTCTAGAAACAGGCCCCTGACATTCAATTCTCTTCTCATAGAGG[A>G]CGAAGACTTCTCCATCCTGCTGGCAGCTTTAGAAAGTAGGTGTGTGGCTGCGGTGAGGAG-3'
Protein context (NP_061982.3, residues 279-299): LLVSSTSWTE[Asp289Gly]EDFSILLAAL

ClinVar aggregate classification (germline): Likely pathogenic. Review status: criteria provided, multiple submitters, no conflicts (2 of 4 stars). 3 submissions from 3 submitters: Likely pathogenic (2). 1 of the submissions does not count toward it. Last evaluated 2025-05-06.

Conditions:
Congenital disorder of glycosylation (CDG). Also called: Carbohydrate-deficient glycoprotein syndrome; Congenital disorders of glycosylation. Identifiers: Orphanet 137, MedGen C0282577, MONDO:0015286.
ALG1-congenital disorder of glycosylation. Also called: CONGENITAL DISORDER OF GLYCOSYLATION, TYPE Ik; CDG Ik; ALG1-CDG. Identifiers: Orphanet 79327, MedGen C2931005, MONDO:0012052, OMIM 608540.

Allele frequency attached by ClinVar (database versions not stated): gnomAD exomes below 0.00001 and 0.00001; gnomAD 0.00001; TOPMed 0.00001.
gnomAD v4.1: 13 of 1,600,180 alleles (0.00081%); highest among the groups gnomAD compares: Non-Finnish European, 0.0011%; no homozygotes.

Submissions (3):

Women's Health and Genetics/Laboratory Corporation of America, LabCorp
Classification: Likely pathogenic for ALG1-congenital disorder of glycosylation. Last evaluated: 2025-05-06. Review status: criteria provided, single submitter. Criteria: LabCorp Variant Classification Summary - May 2015. Collection method: clinical testing. Allele origin: germline.
Comment: Variant summary: ALG1 c.866A>G (p.Asp289Gly) results in a non-conservative amino acid change in the encoded protein sequence. Algorithms developed to predict the effect of missense changes on protein structure and function all suggest that this variant is likely to be disruptive. The variant allele was found at a frequency of 4.3e-06 in 230156 control chromosomes (gnomAD). c.866A>G has been observed in individuals affected with clinical features of congenital disorder of glycosylation type 1K (Ng_2016, internal testing). These data indicate that the variant is likely to be associated with disease. Experimental evidence evaluating an impact on protein function suggests that this variant affects function (Ng_2016). The following publications has been ascertained in the context of this evaluation (PMID: 26931382). ClinVar contains an entry for this variant (Variation ID: 690314). Based on the evidence outlined above, the variant was classified as likely pathogenic.

Labcorp Genetics (formerly Invitae), Labcorp
Classification: Likely pathogenic for ALG1-congenital disorder of glycosylation. Last evaluated: 2024-03-16. Review status: criteria provided, single submitter. Criteria: Invitae Variant Classification Sherloc (09022015). Collection method: clinical testing. Allele origin: germline.
Comment: This sequence change replaces aspartic acid, which is acidic and polar, with glycine, which is neutral and non-polar, at codon 289 of the ALG1 protein (p.Asp289Gly). The frequency data for this variant in the population databases is considered unreliable, as metrics indicate poor data quality at this position in the gnomAD database. This missense change has been observed in individual(s) with ALG1-CDG (PMID: 26931382; Invitae). ClinVar contains an entry for this variant (Variation ID: 690314). Advanced modeling of protein sequence and biophysical properties (such as structural, functional, and spatial information, amino acid conservation, physicochemical variation, residue mobility, and thermodynamic stability) performed at Invitae indicates that this missense variant is expected to disrupt ALG1 protein function with a positive predictive value of 80%. Experimental studies have shown that this missense change affects ALG1 function (PMID: 26931382). This variant disrupts the p.Asp289 amino acid residue in ALG1. Other variant(s) that disrupt this residue have been observed in individuals with ALG1-related conditions (PMID: 27172925), which suggests that this may be a clinically significant amino acid residue. In summary, the currently available evidence indicates that the variant is pathogenic, but additional data are needed to prove that conclusively. Therefore, this variant has been classified as Likely Pathogenic.

University of Washington Center for Mendelian Genomics, University of Washington
Classification: Likely pathogenic for Congenital disorder of glycosylation. Last evaluated: 2017-05-25. Review status: no assertion criteria provided. Collection method: research. Allele origin: unknown. Affected: yes. Not counted in ClinVar's aggregate classification.

Literature cited by the submitters: PubMed 26931382 (cited by 3 submitters); PubMed 27172925 (cited by Labcorp Genetics (formerly Invitae), Labcorp).